The following is an entry in ClinVar:

NC_000015.10:g.(?_90790639)_(90790854_?)del

Gene: BLM (BLM RecQ like helicase; plus strand). Cytogenetic location: 15q26.1.
Variant type: Deletion.
Identifiers: ClinVar variation 831439 (VCV000831439.1).

ClinVar aggregate classification (germline): Pathogenic (1 of 4 stars; one submission).

Conditions:
Bloom syndrome (BLM). Also called: Bloom-Torre-Machacek syndrome. Identifiers: Orphanet 125, MedGen C0005859, MONDO:0008876, OMIM 210900.

Submission:

Labcorp Genetics (formerly Invitae), Labcorp
Classification: Pathogenic for Bloom syndrome. Last evaluated: 2019-08-23. Review status: criteria provided, single submitter. Criteria: Invitae Variant Classification Sherloc (09022015). Collection method: clinical testing. Allele origin: germline.
Comment: This variant is an out-of-frame deletion of the genomic region encompassing exon 15 of the BLM gene. This is expected to create a premature translational stop signal and result in an absent or disrupted protein product. A similar deletion of exon 15 has been reported in the literature in an individual with Bloom syndrome who also had a second pathogenic BLM variant (PMID: 17407155). Loss-of-function variants in BLM are known to be pathogenic (PMID: 17407155). For these reasons, this variant has been classified as Pathogenic.

Literature cited by the submitters: PubMed 17407155.